The following is an entry in ClinVar:

NM_213653.4(HJV):c.189AGG[7] (p.Gly69dup)

Gene: HJV (hemojuvelin BMP co-receptor; minus strand). Cytogenetic location: 1q21.1.
Variant type: Microsatellite.
Coding change: c.189AGG[7] on transcript NM_213653.4 (MANE Select); seven copies in a row of the 3-base unit AGG starting at c.189; the reference has six copies in a row; one copy, 3 bases duplicated; also written c.204_206dup.
Protein change: p.Gly69dup; duplicates glycine 69.
Molecular consequence: inframe insertion. On other transcripts: 5 prime UTR variant (1), intron variant (3).
Genome position (GRCh38, 1-based): chr1:146,019,626-146,019,628, CCT duplicated on the plus strand (AGG on the coding strand, the reverse complement: HJV is on the minus strand); duplicating any 3 consecutive bases within chr1:146,019,626-146,019,644 gives the same sequence; the position shown is the placement nearest the transcript's 3' end. VCF-style (leftmost placement, unchanged base first): chr1-146019625-G-GCCT. GRCh37 (hg19) VCF-style: chr1-145415368-C-CGAG.
Other names: c.204_206dupAGG (NM_213653.3); c.189AGG[7], p.Gly69dup (NM_001379352.1); c.-151AGG[7] (NM_145277.5); c.-21-943AGG[7] (NM_213652.4); c.-22+55AGG[7] (NM_202004.4, NM_001316767.2); c.204_206dup (NM_213653.4).
Identifiers: ClinVar variation 219585 (VCV000219585.30), dbSNP rs587644102, ClinGen allele CA348119.

ClinVar aggregate classification (germline): Likely benign. Review status: criteria provided, multiple submitters, no conflicts (2 of 4 stars). 4 submissions from 4 submitters: Likely benign (2). 2 of the submissions do not count toward it. Last evaluated 2026-01-28.

Conditions:
HJV-related disorder. Also called: HJV-related condition.
Hemochromatosis type 2A (HFE2A). Also called: HJV (HFE2)-Related Juvenile Hemochromatosis; Adult-Onset Hemochromatosis. Identifiers: Orphanet 79230, MedGen C1865614, MONDO:0011216, OMIM 602390.

Submissions (4):

Labcorp Genetics (formerly Invitae), Labcorp
Classification: Likely benign. Last evaluated: 2026-01-28. Review status: criteria provided, single submitter. Criteria: Invitae Variant Classification Sherloc (09022015). Collection method: clinical testing. Allele origin: germline.

CeGaT Center for Human Genetics Tuebingen
Classification: Likely benign. Last evaluated: 2024-11-01. Review status: criteria provided, single submitter. Criteria: CeGaT Center For Human Genetics Tuebingen Variant Classification Criteria Version 2. Collection method: clinical testing. Allele origin: germline. Affected: yes. Observed: 1 variant allele.
Comment: HJV: PM4:Supporting, BS1

PreventionGenetics, part of Exact Sciences
Classification: Likely benign for HJV-related condition. Last evaluated: 2022-10-10. Review status: no assertion criteria provided. Collection method: clinical testing. Allele origin: germline. Not counted in ClinVar's aggregate classification.
Comment: This variant is classified as likely benign based on ACMG/AMP sequence variant interpretation guidelines (Richards et al. 2015 PMID: 25741868, with internal and published modifications).

Natera, Inc.
Classification: Likely benign for Hemochromatosis type 2A. Last evaluated: 2019-09-26. Review status: no assertion criteria provided. Collection method: clinical testing. Allele origin: germline. Not counted in ClinVar's aggregate classification.